The following is an entry in ClinVar:

ClinVar aggregate classification (germline): Conflicting classifications of pathogenicity. Review status: criteria provided, conflicting classifications (1 of 4 stars). 2 submissions from 2 submitters: Likely pathogenic (1); Uncertain significance (1). Last evaluated 2024-10-10.

Allele frequency attached by ClinVar (database versions not stated): TOPMed 0.00001; ExAC 0.00002; gnomAD 0.00002; gnomAD exomes 0.00005.
gnomAD v4.1: 34 of 1,614,124 alleles (0.0021%); highest among the groups gnomAD compares: Non-Finnish European, 0.00034%; no homozygotes.

Submissions (2):

Blueprint Genetics
Classification: Uncertain significance. Last evaluated: 2024-10-10. Review status: criteria provided, single submitter. Criteria: ACMG Guidelines, 2015. Collection method: clinical testing. Allele origin: germline.

Labcorp Genetics (formerly Invitae), Labcorp
Classification: Likely pathogenic. Last evaluated: 2023-06-30. Review status: criteria provided, single submitter. Criteria: Invitae Variant Classification Sherloc (09022015). Collection method: clinical testing. Allele origin: germline.
Comment: In summary, the currently available evidence indicates that the variant is pathogenic, but additional data are needed to prove that conclusively. Therefore, this variant has been classified as Likely Pathogenic. Advanced modeling of protein sequence and biophysical properties (such as structural, functional, and spatial information, amino acid conservation, physicochemical variation, residue mobility, and thermodynamic stability) performed at Invitae indicates that this missense variant is expected to disrupt ACO2 protein function. ClinVar contains an entry for this variant (Variation ID: 2176547). This missense change has been observed in individual(s) with ACO2-related conditions (PMID: 30689204). In at least one individual the data is consistent with being in trans (on the opposite chromosome) from a pathogenic variant. This variant is present in population databases (rs777420895, gnomAD 0.06%). This sequence change replaces serine, which is neutral and polar, with leucine, which is neutral and non-polar, at codon 87 of the ACO2 protein (p.Ser87Leu).

Literature cited by the submitters: PubMed 30689204 (cited by Labcorp Genetics (formerly Invitae), Labcorp).

NM_001098.3(ACO2):c.260C>T (p.Ser87Leu)

Gene: ACO2 (aconitase 2; plus strand). Cytogenetic location: 22q13.2.
Variant type: single nucleotide variant.
Coding change: c.260C>T on transcript NM_001098.3 (MANE Select); coding-DNA position 260, C replaced by T.
Protein change: p.Ser87Leu; replaces serine 87 with leucine.
Molecular consequence: missense variant.
Genome position (GRCh38, 1-based): chr22:41,507,877, C>T. VCF-style: chr22-41507877-C-T. GRCh37 (hg19) VCF-style: chr22-41903881-C-T.
Other names: short protein forms S87L.
Identifiers: ClinVar variation 2176547 (VCV002176547.5), dbSNP rs777420895, ClinGen allele CA10257322.